The following is an entry in ClinVar:

ClinVar aggregate classification (germline): Likely benign. Review status: criteria provided, multiple submitters, no conflicts (2 of 4 stars). 2 submissions from 2 submitters: Likely benign (2). Last evaluated 2026-01-07.

Conditions:
DNMT1-related disorder. Also called: DNMT1-related condition. Identifiers: MedGen CN381527.
Hereditary sensory neuropathy-deafness-dementia syndrome. Also called: Hereditary sensory neuropathy type IE; Hereditary Sensory and Autonomic Neuropathy Type 1E (HSAN1E); NEUROPATHY, HEREDITARY SENSORY, WITH HEARING LOSS AND DEMENTIA; HSN IE. Identifiers: Orphanet 456318, MedGen C3279885, MONDO:0013584, OMIM 614116.

Allele frequency attached by ClinVar (database versions not stated): gnomAD exomes 0.00001 and 0.00005; ExAC 0.00008; TOPMed 0.00008; gnomAD 0.00011; 1000 Genomes Project 30x 0.00016.
gnomAD v4.1: 28 of 1,613,126 alleles (0.0017%); highest among the groups gnomAD compares: African/African-American, 0.032%; no homozygotes.

Submissions (2):

PreventionGenetics, part of Exact Sciences
Classification: Likely benign for DNMT1-related condition. Last evaluated: 2026-01-07. Review status: criteria provided, single submitter. Criteria: ACMG Guidelines, 2015. Collection method: clinical testing. Allele origin: germline.
Comment: This variant is classified as likely benign based on ACMG/AMP sequence variant interpretation guidelines (Richards et al. 2015 PMID: 25741868, with internal and published modifications).

Labcorp Genetics (formerly Invitae), Labcorp
Classification: Likely benign for Hereditary sensory neuropathy-deafness-dementia syndrome. Last evaluated: 2025-05-06. Review status: criteria provided, single submitter. Criteria: Invitae Variant Classification Sherloc (09022015). Collection method: clinical testing. Allele origin: germline.

NM_001130823.3(DNMT1):c.1044-14T>C

Gene: DNMT1 (DNA methyltransferase 1; minus strand). Cytogenetic location: 19p13.2.
Variant type: single nucleotide variant.
Coding change: c.1044-14T>C on transcript NM_001130823.3 (MANE Select); 14 bases into the intron before coding-DNA position 1044, T replaced by C.
Molecular consequence: intron variant.
Genome position (GRCh38, 1-based): chr19:10,160,077, A>G on the plus strand (T>C on the coding strand, the complement: DNMT1 is on the minus strand). VCF-style: chr19-10160077-A-G. GRCh37 (hg19) VCF-style: chr19-10270753-A-G.
Other names: c.681-14T>C (NM_001318731.2); c.996-14T>C (NM_001379.4, NM_001318730.2); c.1044-14T>C (NM_001130823.2).
Identifiers: ClinVar variation 1596337 (VCV001596337.9), dbSNP rs765346225, ClinGen allele CA9188425.
Genomic context (GRCh38, chr19:10,160,077, plus strand): 5'-CCTTGGAGTTCATGACTGTTTTGGCGCGAGCCATTTTTTTCTCCGTTCTGGGGGAAAAAA[A>G]AAAATCACAAGATCGTTTGTTTAATTGTTTCAGAAAATATCAAAATCGCCCCTGTGAGGT-3'